The following is an entry in ClinVar:

ClinVar aggregate classification (germline): Likely benign (1 of 4 stars; one submission).

Allele frequency attached by ClinVar (database versions not stated): gnomAD 0.00029; TOPMed 0.00034; ExAC 0.00036; ESP Exome Variant Server 0.00038; gnomAD exomes 0.00040.

Submission:

CeGaT Center for Human Genetics Tuebingen
Classification: Likely benign. Last evaluated: 2022-06-01. Review status: criteria provided, single submitter. Criteria: CeGaT Center For Human Genetics Tuebingen Variant Classification Criteria Version 2. Collection method: clinical testing. Allele origin: germline. Affected: yes. Observed: 1 variant allele.
Comment: FLJ44635: BP4, BP7

NC_000023.11:g.72159919C>T

Gene: FLJ44635 (TPT1-like protein; plus strand). Cytogenetic location: Xq13.1.
Variant type: single nucleotide variant.
Genome position: GRCh38 VCF-style: chrX-72159919-C-T. GRCh37 (hg19) VCF-style: chrX-71379769-C-T.
Identifiers: ClinVar variation 2660906 (VCV002660906.24), dbSNP rs201014184, ClinGen allele CA10449244.